The following is an entry in ClinVar:

ClinVar aggregate classification (germline): Uncertain significance. Review status: criteria provided, multiple submitters, no conflicts (2 of 4 stars). 3 submissions from 3 submitters: Uncertain significance (3). Last evaluated 2022-04-22.

Conditions:
Developmental and epileptic encephalopathy, 54. Also called: Epileptic encephalopathy, early infantile, 54; HNRNPU-Related Neurodevelopmental Disorder. Identifiers: MedGen C4479319, MONDO:0033363, OMIM 617391.
Inborn genetic diseases. Identifiers: MedGen C0950123, MeSH D030342.

Allele frequency attached by ClinVar (database versions not stated): gnomAD exomes below 0.00001.
gnomAD v4.1: 1 of 1,613,714 alleles (0.000062%); highest among the groups gnomAD compares: Admixed American, 0.0017%; no homozygotes.

Submissions (3):

GeneDx
Classification: Uncertain significance. Last evaluated: 2022-04-22. Review status: criteria provided, single submitter. Criteria: GeneDx Variant Classification Process June 2021. Collection method: clinical testing. Allele origin: germline. Affected: yes.
Comment: In silico analysis supports that this missense variant does not alter protein structure/function; Has not been previously published as pathogenic or benign to our knowledge

Labcorp Genetics (formerly Invitae), Labcorp
Classification: Uncertain significance for Developmental and epileptic encephalopathy, 54. Last evaluated: 2022-03-08. Review status: criteria provided, single submitter. Criteria: Invitae Variant Classification Sherloc (09022015). Collection method: clinical testing. Allele origin: germline.
Comment: In summary, the available evidence is currently insufficient to determine the role of this variant in disease. Therefore, it has been classified as a Variant of Uncertain Significance. This sequence change replaces glutamic acid, which is acidic and polar, with aspartic acid, which is acidic and polar, at codon 140 of the HNRNPU protein (p.Glu140Asp). This variant is present in population databases (no rsID available, gnomAD 0.003%). This variant has not been reported in the literature in individuals affected with HNRNPU-related conditions. ClinVar contains an entry for this variant (Variation ID: 665293). Algorithms developed to predict the effect of missense changes on protein structure and function (SIFT, PolyPhen-2, Align-GVGD) all suggest that this variant is likely to be tolerated.

Ambry Genetics
Classification: Uncertain significance for Inborn genetic diseases. Last evaluated: 2017-10-20. Review status: criteria provided, single submitter. Criteria: Ambry Variant Classification Scheme 2023. Collection method: clinical testing. Allele origin: germline.
Comment: The p.E140D variant (also known as c.420A>C), located in coding exon 1 of the HNRNPU gene, results from an A to C substitution at nucleotide position 420. The glutamic acid at codon 140 is replaced by aspartic acid, an amino acid with highly similar properties. This amino acid position is not well conserved in available vertebrate species. In addition, this alteration is predicted to be tolerated by in silico analysis. Since supporting evidence is limited at this time, the clinical significance of this alteration remains unclear.

NM_031844.3(HNRNPU):c.420A>C (p.Glu140Asp)

Gene: HNRNPU (heterogeneous nuclear ribonucleoprotein U; minus strand). Cytogenetic location: 1q44.
Variant type: single nucleotide variant.
Coding change: c.420A>C on transcript NM_031844.3 (MANE Select); coding-DNA position 420, A replaced by C.
Protein change: p.Glu140Asp; replaces glutamic acid 140 with aspartic acid.
Molecular consequence: missense variant.
Genome position (GRCh38, 1-based): chr1:244,863,888, T>G on the plus strand (A>C on the coding strand, the complement: HNRNPU is on the minus strand). VCF-style: chr1-244863888-T-G. GRCh37 (hg19) VCF-style: chr1-245027190-T-G.
Other names: c.420A>C, p.Glu140Asp (NM_004501.3); short protein forms E140D.
Identifiers: ClinVar variation 665293 (VCV000665293.13), dbSNP rs1325726632, ClinGen allele CA345497157.
Genomic context (GRCh38, chr1:244,863,888, plus strand): 5'-CTCCCCGTGCCCGTTCTCGTCGCCCGCGCCTTCCTCTTCGTCCCCGAGCTCATCTTCCCC[T>G]TCCTGGAAACCCTGATCGTCGCCGTTCTCGTCTTCCGAGGCGGCCTCCTCCTCCTCCATC-3'
Protein context (NP_114032.2, residues 130-150): DENGDDQGFQ[Glu140Asp]GEDELGDEEE